The following is an entry in ClinVar:

NM_006415.4(SPTLC1):c.457G>T (p.Ala153Ser)

Gene: SPTLC1 (serine palmitoyltransferase long chain base subunit 1; minus strand). Cytogenetic location: 9q22.31.
Variant type: single nucleotide variant.
Coding change: c.457G>T on transcript NM_006415.4 (MANE Select); coding-DNA position 457, G replaced by T.
Protein change: p.Ala153Ser; replaces alanine 153 with serine.
Molecular consequence: missense variant. On other transcripts: 5 prime UTR variant (1).
Genome position (GRCh38, 1-based): chr9:92,068,069, C>A on the plus strand (G>T on the coding strand, the complement: SPTLC1 is on the minus strand). VCF-style: chr9-92068069-C-A. GRCh37 (hg19) VCF-style: chr9-94830351-C-A.
Other names: c.457G>T, p.Ala153Ser (NM_001281303.2); c.91G>T, p.Ala31Ser (NM_001368272.1); c.-9G>T (NM_001368273.1); c.457G>T (NM_006415.2); short protein forms A153S, A31S.
Identifiers: ClinVar variation 576941 (VCV000576941.10), dbSNP rs527406013, ClinGen allele CA5121535.

ClinVar aggregate classification (germline): Uncertain significance. Review status: criteria provided, multiple submitters, no conflicts (2 of 4 stars). 2 submissions from 2 submitters: Uncertain significance (2). Last evaluated 2025-04-01.

Conditions:
Hereditary sensory and autonomic neuropathy type 1 (HSAN1). Also called: HSAN 1; HSN Type I; Hereditary Sensory Neuropathy Type I. Identifiers: Orphanet 36386, MedGen C0020071, MONDO:0018213.
Inborn genetic diseases. Identifiers: MedGen C0950123, MeSH D030342.

Allele frequency attached by ClinVar (database versions not stated): gnomAD exomes 0.00001; TOPMed below 0.00001; gnomAD 0.00001 and 0.00002; ExAC 0.00001; 1000 Genomes Project 30x 0.00016; 1000 Genomes Project 0.00020.
gnomAD v4.1: 22 of 1,613,942 alleles (0.0014%); highest among the groups gnomAD compares: Non-Finnish European, 0.0019%; no homozygotes.

Submissions (2):

Ambry Genetics
Classification: Uncertain significance for Inborn genetic diseases. Last evaluated: 2025-04-01. Review status: criteria provided, single submitter. Criteria: Ambry Variant Classification Scheme 2023. Collection method: clinical testing. Allele origin: germline.

Labcorp Genetics (formerly Invitae), Labcorp
Classification: Uncertain significance for Hereditary sensory and autonomic neuropathy type 1. Last evaluated: 2018-06-13. Review status: criteria provided, single submitter. Criteria: Invitae Variant Classification Sherloc (09022015). Collection method: clinical testing. Allele origin: germline.
Comment: In summary, the available evidence is currently insufficient to determine the role of this variant in disease. Therefore, it has been classified as a Variant of Uncertain Significance. Algorithms developed to predict the effect of missense changes on protein structure and function are either unavailable or do not agree on the potential impact of this missense change (SIFT: "Deleterious"; PolyPhen-2: "Benign"; Align-GVGD: "Class C0"). This variant has not been reported in the literature in individuals with SPTLC1-related disease. This variant is present in population databases (rs527406013, ExAC 0.002%). This sequence change replaces alanine with serine at codon 153 of the SPTLC1 protein (p.Ala153Ser). The alanine residue is highly conserved and there is a moderate physicochemical difference between alanine and serine.